The following is an entry in ClinVar:

ClinVar aggregate classification (germline): Benign. Review status: criteria provided, multiple submitters, no conflicts (2 of 4 stars). 10 submissions from 10 submitters: Benign (9). 1 of the submissions does not count toward it. Last evaluated 2026-02-03.

Conditions:
Familial sleep-related hypermotor epilepsy. Also called: Autosomal Dominant Sleep-Related Hypermotor (Hyperkinetic) Epilepsy. Identifiers: Orphanet 98784, MedGen C3696898, MONDO:0000030.
Autosomal dominant nocturnal frontal lobe epilepsy 1. Also called: EPILEPSY, NOCTURNAL FRONTAL LOBE, TYPE 1; CHRNA4-Related Nocturnal Frontal Lobe Epilepsy, Autosomal Dominant. Identifiers: Orphanet 98784, MedGen C1838049, MONDO:0010899, OMIM 600513.

Allele frequency attached by ClinVar (database versions not stated): ESP Exome Variant Server 0.17343; gnomAD exomes 0.19230 and 0.21711; gnomAD 0.19437 and 0.19637; TOPMed 0.20145; ExAC 0.21137; 1000 Genomes Project 30x 0.23891; 1000 Genomes Project 0.24461.

Submissions (10):

Labcorp Genetics (formerly Invitae), Labcorp
Classification: Benign. Last evaluated: 2026-02-03. Review status: criteria provided, single submitter. Criteria: Invitae Variant Classification Sherloc (09022015). Collection method: clinical testing. Allele origin: germline.

Blueprint Genetics
Classification: Benign. Last evaluated: 2024-11-28. Review status: criteria provided, single submitter. Criteria: ACMG Guidelines, 2015. Collection method: clinical testing. Allele origin: germline.

Unidad de Genómica Garrahan, Hospital de Pediatría Garrahan
Classification: Benign. Last evaluated: 2024-07-15. Review status: criteria provided, single submitter. Criteria: ACMG Guidelines, 2015. Collection method: clinical testing. Allele origin: germline. Affected: no. Observed: 35 variant alleles.
Comment: This variant is classified as Benign based on local population frequency. This variant was detected in 38% of patients studied in a panel designed for Epileptic and Developmental Encephalopathy and Progressive Myoclonus Epilepsy. Number of patients: 35. Only high quality variants are reported.

Genome-Nilou Lab
Classification: Benign for Autosomal dominant nocturnal frontal lobe epilepsy 1. Last evaluated: 2021-07-22. Review status: criteria provided, single submitter. Criteria: ACMG Guidelines, 2015. Collection method: clinical testing. Allele origin: germline. Affected: no.

Eurofins Ntd Llc (ga)
Classification: Benign. Last evaluated: 2017-06-07. Review status: criteria provided, single submitter. Criteria: EGL Classification Definitions 2015. Collection method: clinical testing. Allele origin: germline. Observed: 30 variant alleles, 27 heterozygotes, 3 homozygotes.

Genome Diagnostics Laboratory, University Medical Center Utrecht
Classification: Benign for Autosomal dominant nocturnal frontal lobe epilepsy 1. Last evaluated: 2016-11-14. Review status: criteria provided, single submitter. Criteria: ACGS Guidelines, 2013. Collection method: clinical testing. Allele origin: germline. Affected: yes. Study: VKGL Data-share Consensus.

GeneDx
Classification: Benign. Last evaluated: 2015-03-03. Review status: criteria provided, single submitter. Criteria: GeneDx Variant Classification Process June 2021. Collection method: clinical testing. Allele origin: germline. Affected: yes.

Breakthrough Genomics
Classification: Benign. Review status: criteria provided, single submitter. Criteria: ACMG Guidelines, 2015. Collection method: not provided. Allele origin: germline. Inheritance: Autosomal dominant inheritance. Affected: yes.

PreventionGenetics, part of Exact Sciences
Classification: Benign. Review status: criteria provided, single submitter. Criteria: ACMG Guidelines, 2015. Collection method: clinical testing. Allele origin: germline.

Diagnostic Laboratory, Department of Genetics, University Medical Center Groningen
Classification: Benign for Autosomal dominant nocturnal frontal lobe epilepsy 1. Review status: no assertion criteria provided. Collection method: clinical testing. Allele origin: germline. Affected: yes. Study: VKGL Data-share Consensus. Not counted in ClinVar's aggregate classification.

NM_000744.7(CHRNA4):c.1758+14A>G

Gene: CHRNA4 (cholinergic receptor nicotinic alpha 4 subunit; minus strand). Cytogenetic location: 20q13.33.
Variant type: single nucleotide variant.
Coding change: c.1758+14A>G on transcript NM_000744.7 (MANE Select); 14 bases into the intron after coding-DNA position 1758, A replaced by G.
Molecular consequence: intron variant.
Genome position (GRCh38, 1-based): chr20:63,349,639, T>C on the plus strand (A>G on the coding strand, the complement: CHRNA4 is on the minus strand). VCF-style: chr20-63349639-T-C. GRCh37 (hg19) VCF-style: chr20-61980991-T-C.
Other names: c.1230+14A>G (NM_001256573.2).
Identifiers: ClinVar variation 93429 (VCV000093429.21), dbSNP rs3827020, ClinGen allele CA146969.